The following is an entry in ClinVar:

NM_000266.4(NDP):c.229C>A (p.Pro77Thr)

Genes: NDP (norrin cystine knot growth factor NDP; minus strand), NDP-AS1 (NDP antisense RNA 1; plus strand). Cytogenetic location: Xp11.3.
Variant type: single nucleotide variant.
Coding change: c.229C>A on transcript NM_000266.4 (MANE Select); coding-DNA position 229, C replaced by A.
Protein change: p.Pro77Thr; replaces proline 77 with threonine.
Molecular consequence: missense variant. On other transcripts: non-coding transcript variant (1).
Genome position (GRCh38, 1-based): chrX:43,949,972, G>T on the plus strand (C>A on the coding strand, the complement: NDP is on the minus strand). VCF-style: chrX-43949972-G-T. GRCh37 (hg19) VCF-style: chrX-43809218-G-T.
Other names: short protein forms P77T.
Identifiers: ClinVar variation 1020370 (VCV001020370.9), dbSNP rs1434496333, ClinGen allele CA413007822.
Genomic context (GRCh38, chrX:43,949,972, plus strand): 5'-GGCAGCAGTGACAGGAGGAACGGAAGGGTTGCTTGAGGACAGTGCTGAACGACACCAAAG[G>T]CTCGGAGCGTGACGCCTGGCTGCAGTGCCCCTCGCACCTGGCCAGGAGCACCATCTGGGG-3'
Protein context (NP_000257.1, residues 67-87): GHCSQASRSE[Pro77Thr]LVSFSTVLKQ

ClinVar aggregate classification (germline): Uncertain significance. Review status: criteria provided, multiple submitters, no conflicts (2 of 4 stars). 2 submissions from 2 submitters: Uncertain significance (2). Last evaluated 2022-06-03.

gnomAD v4.1: 2 of 1,208,376 alleles (0.00017%); highest among the groups gnomAD compares: Non-Finnish European, 0.00022%; no homozygotes.

Submissions (2):

Labcorp Genetics (formerly Invitae), Labcorp
Classification: Uncertain significance. Last evaluated: 2022-06-03. Review status: criteria provided, single submitter. Criteria: Invitae Variant Classification Sherloc (09022015). Collection method: clinical testing. Allele origin: germline.
Comment: In summary, the available evidence is currently insufficient to determine the role of this variant in disease. Therefore, it has been classified as a Variant of Uncertain Significance. Algorithms developed to predict the effect of missense changes on protein structure and function are either unavailable or do not agree on the potential impact of this missense change (SIFT: "Deleterious"; PolyPhen-2: "Benign"; Align-GVGD: "Class C35"). ClinVar contains an entry for this variant (Variation ID: 1020370). This variant has not been reported in the literature in individuals affected with NDP-related conditions. This variant is not present in population databases (gnomAD no frequency). This sequence change replaces proline, which is neutral and non-polar, with threonine, which is neutral and polar, at codon 77 of the NDP protein (p.Pro77Thr).

Blueprint Genetics
Classification: Uncertain significance. Last evaluated: 2020-10-08. Review status: criteria provided, single submitter. Criteria: ACMG Guidelines, 2015. Collection method: clinical testing. Allele origin: germline.